The following is an entry in ClinVar:

NM_212482.4(FN1):c.7297C>T (p.Pro2433Ser)

Genes: ATIC (5-aminoimidazole-4-carboxamide ribonucleotide formyltransferase/IMP cyclohydrolase; plus strand), FN1 (fibronectin 1; minus strand). Cytogenetic location: 2q35.
Variant type: single nucleotide variant.
Coding change: c.7297C>T on transcript NM_212482.4 (MANE Select); coding-DNA position 7297, C replaced by T.
Protein change: p.Pro2433Ser; replaces proline 2433 with serine.
Molecular consequence: missense variant.
Genome position (GRCh38, 1-based): chr2:215,362,034, G>A on the plus strand (C>T on the coding strand, the complement: FN1 is on the minus strand). VCF-style: chr2-215362034-G-A. GRCh37 (hg19) VCF-style: chr2-216226757-G-A.
Other names: c.6679C>T, p.Pro2227Ser (NM_001365523.2); c.6664C>T, p.Pro2222Ser (NM_001365524.2); c.6931C>T, p.Pro2311Ser (NM_002026.4); c.6394C>T, p.Pro2132Ser (NM_212474.3); c.6754C>T, p.Pro2252Ser (NM_212476.3); c.6856C>T, p.Pro2286Ser (NM_212478.3); c.7204C>T, p.Pro2402Ser (NM_001306129.2); c.6667C>T, p.Pro2223Ser (NM_001306130.2); and 8 more; short protein forms P2196S, P2221S, P2286S, P2317S, P2342S, P2227S, P2287S, P2318S.
Identifiers: ClinVar variation 2816406 (VCV002816406.3), dbSNP rs1559298353, ClinGen allele CA350461809.

ClinVar aggregate classification (germline): Uncertain significance (1 of 4 stars; one submission).

Submission:

Labcorp Genetics (formerly Invitae), Labcorp
Classification: Uncertain significance. Last evaluated: 2022-11-24. Review status: criteria provided, single submitter. Criteria: Invitae Variant Classification Sherloc (09022015). Collection method: clinical testing. Allele origin: germline.
Comment: This variant has not been reported in the literature in individuals affected with FN1-related conditions. This sequence change replaces proline, which is neutral and non-polar, with serine, which is neutral and polar, at codon 2433 of the FN1 protein (p.Pro2433Ser). This variant is not present in population databases (gnomAD no frequency). Algorithms developed to predict the effect of missense changes on protein structure and function are either unavailable or do not agree on the potential impact of this missense change (SIFT: "Not Available"; PolyPhen-2: "Benign"; Align-GVGD: "Not Available"). In summary, the available evidence is currently insufficient to determine the role of this variant in disease. Therefore, it has been classified as a Variant of Uncertain Significance.